The following is an entry in ClinVar:

ClinVar aggregate classification (germline): Uncertain significance (1 of 4 stars; one submission).

Allele frequency attached by ClinVar (database versions not stated): gnomAD exomes below 0.00001; ExAC 0.00002.
gnomAD v4.1: 3 of 1,613,526 alleles (0.00019%); highest among the groups gnomAD compares: Admixed American, 0.0033%; no homozygotes.

Submission:

Labcorp Genetics (formerly Invitae), Labcorp
Classification: Uncertain significance. Last evaluated: 2023-11-27. Review status: criteria provided, single submitter. Criteria: Invitae Variant Classification Sherloc (09022015). Collection method: clinical testing. Allele origin: germline.
Comment: This sequence change replaces aspartic acid, which is acidic and polar, with histidine, which is basic and polar, at codon 1078 of the ANLN protein (p.Asp1078His). This variant is present in population databases (rs772911968, gnomAD 0.006%). This variant has not been reported in the literature in individuals affected with ANLN-related conditions. Advanced modeling of protein sequence and biophysical properties (such as structural, functional, and spatial information, amino acid conservation, physicochemical variation, residue mobility, and thermodynamic stability) has been performed at Invitae for this missense variant, however the output from this modeling did not meet the statistical confidence thresholds required to predict the impact of this variant on ANLN protein function. In summary, the available evidence is currently insufficient to determine the role of this variant in disease. Therefore, it has been classified as a Variant of Uncertain Significance.

NM_018685.5(ANLN):c.3232G>C (p.Asp1078His)

Gene: ANLN (anillin, actin binding protein; plus strand). Cytogenetic location: 7p14.2.
Variant type: single nucleotide variant.
Coding change: c.3232G>C on transcript NM_018685.5 (MANE Select); coding-DNA position 3232, G replaced by C.
Protein change: p.Asp1078His; replaces aspartic acid 1078 with histidine.
Molecular consequence: missense variant.
Genome position (GRCh38, 1-based): chr7:36,449,818, G>C. VCF-style: chr7-36449818-G-C. GRCh37 (hg19) VCF-style: chr7-36489427-G-C.
Other names: c.3121G>C, p.Asp1041His (NM_001284301.3); c.3118G>C, p.Asp1040His (NM_001284302.3); short protein forms D1041H, D1040H, D1078H.
Identifiers: ClinVar variation 2976216 (VCV002976216.3), dbSNP rs772911968, ClinGen allele CA4220113.